The following is an entry in ClinVar:

NM_002796.3(PSMB4):c.753G>T (p.Glu251Asp)

Gene: PSMB4 (proteasome 20S subunit beta 4; plus strand). Cytogenetic location: 1q21.3.
Variant type: single nucleotide variant.
Coding change: c.753G>T on transcript NM_002796.3 (MANE Select); coding-DNA position 753, G replaced by T.
Protein change: p.Glu251Asp; replaces glutamic acid 251 with aspartic acid.
Molecular consequence: missense variant.
Genome position (GRCh38, 1-based): chr1:151,401,601, G>T. VCF-style: chr1-151401601-G-T. GRCh37 (hg19) VCF-style: chr1-151374077-G-T.
Other names: short protein forms E251D.
Identifiers: ClinVar variation 2751677 (VCV002751677.3), dbSNP rs2529161754, ClinGen allele CA341927925.
Genomic context (GRCh38, chr1:151,401,601, plus strand): 5'-GTTTCAAATCGCCACTGTCACCGAAAAAGGTGTTGAAATAGAGGGACCATTGTCTACAGA[G>T]ACCAACTGGGATATTGCCCACATGATCAGGTGAGTAATAGGGAAAAAATTGGTGACAGAC-3'
Protein context (NP_002787.2, residues 241-261): GVEIEGPLST[Glu251Asp]TNWDIAHMIS

ClinVar aggregate classification (germline): Uncertain significance (1 of 4 stars; one submission).

Submission:

Labcorp Genetics (formerly Invitae), Labcorp
Classification: Uncertain significance. Last evaluated: 2023-08-10. Review status: criteria provided, single submitter. Criteria: Invitae Variant Classification Sherloc (09022015). Collection method: clinical testing. Allele origin: germline.
Comment: This sequence change replaces glutamic acid, which is acidic and polar, with aspartic acid, which is acidic and polar, at codon 251 of the PSMB4 protein (p.Glu251Asp). In summary, the available evidence is currently insufficient to determine the role of this variant in disease. Therefore, it has been classified as a Variant of Uncertain Significance. An algorithm developed to predict the effect of missense changes on protein structure and function (PolyPhen-2) suggests that this variant is likely to be tolerated. This variant has not been reported in the literature in individuals affected with PSMB4-related conditions. This variant is not present in population databases (gnomAD no frequency).